The following is an entry in ClinVar:

NM_032119.4(ADGRV1):c.8824G>C (p.Asp2942His)

Gene: ADGRV1 (adhesion G protein-coupled receptor V1; plus strand). Cytogenetic location: 5q14.3.
Variant type: single nucleotide variant.
Coding change: c.8824G>C on transcript NM_032119.4 (MANE Select); coding-DNA position 8824, G replaced by C.
Protein change: p.Asp2942His; replaces aspartic acid 2942 with histidine.
Molecular consequence: missense variant. On other transcripts: non-coding transcript variant (1).
Genome position (GRCh38, 1-based): chr5:90,708,909, G>C. VCF-style: chr5-90708909-G-C. GRCh37 (hg19) VCF-style: chr5-90004726-G-C.
Other names: short protein forms D2942H.
Identifiers: ClinVar variation 1967531 (VCV001967531.2), dbSNP rs776760190, ClinGen allele CA3340363.

ClinVar aggregate classification (germline): Uncertain significance (1 of 4 stars; one submission).

Allele frequency attached by ClinVar (database versions not stated): ExAC 0.00001; gnomAD 0.00001.
gnomAD v4.1: 10 of 1,597,216 alleles (0.00063%); highest among the groups gnomAD compares: Non-Finnish European, 0.00077%; no homozygotes.

Submission:

Labcorp Genetics (formerly Invitae), Labcorp
Classification: Uncertain significance. Last evaluated: 2022-08-16. Review status: criteria provided, single submitter. Criteria: Invitae Variant Classification Sherloc (09022015). Collection method: clinical testing. Allele origin: germline.
Comment: This sequence change replaces aspartic acid, which is acidic and polar, with histidine, which is basic and polar, at codon 2942 of the ADGRV1 protein (p.Asp2942His). This variant also falls at the last nucleotide of exon 39, which is part of the consensus splice site for this exon. This variant is present in population databases (rs776760190, gnomAD 0.002%). This variant has not been reported in the literature in individuals affected with ADGRV1-related conditions. Algorithms developed to predict the effect of missense changes on protein structure and function are either unavailable or do not agree on the potential impact of this missense change (SIFT: "Deleterious"; PolyPhen-2: "Probably Damaging"; Align-GVGD: "Class C0"). Variants that disrupt the consensus splice site are a relatively common cause of aberrant splicing (PMID: 17576681, 9536098). In summary, the available evidence is currently insufficient to determine the role of this variant in disease. Therefore, it has been classified as a Variant of Uncertain Significance.

Literature cited by the submitters: PubMed 17576681; PubMed 9536098.